The following is an entry in ClinVar:

NM_001754.5(RUNX1):c.524del (p.Leu175fs)

Genes: RUNX1 (RUNX family transcription factor 1; minus strand), RUNX1-AS1 (RUNX1 antisense RNA 1; plus strand). Cytogenetic location: 21q22.12.
Variant type: Deletion.
Coding change: c.524del on transcript NM_001754.5 (MANE Select); coding-DNA position 524, one base deleted (T; older notation c.524delT).
Protein change: p.Leu175fs; shifts the reading frame from leucine 175.
Molecular consequence: frameshift variant.
Genome position (GRCh38, 1-based): chr21:34,859,563, A deleted on the plus strand (T on the coding strand, the reverse complement: RUNX1 is on the minus strand). VCF-style (leftmost placement, unchanged base first): chr21-34859562-CA-C. GRCh37 (hg19) VCF-style: chr21-36231859-CA-C.
Other names: NM_001754.5(RUNX1):c.524del; p.Leu175fs; c.443del, p.Leu148fs (NM_001001890.3, NM_001122607.2); c.524delT (NM_001754.5); short protein forms L148fs, L175fs.
Identifiers: ClinVar variation 3768410 (VCV003768410.2).
Genomic context (GRCh38, chr21:34,859,562, plus strand): 5'-GATTTTGATGGCTCTGTGGTAGGTGGCGACTTGCGGTGGGTTTGTGAAGACAGTGATGGT[CA>C]GAGTGAAGCTTTTCCCTGTGGGGACACGATAGAGAACAAAACAGAATGAGGTTGGTGGCC-3'

ClinVar aggregate classification (germline): Pathogenic. Review status: reviewed by expert panel (3 of 4 stars). 2 submissions from 2 submitters: Pathogenic (1). 1 of the submissions does not count toward it. Last evaluated 2025-05-02.

Conditions:
Hereditary thrombocytopenia and hematological cancer predisposition syndrome associated with RUNX1. Also called: RUNX1 Familial Platelet Disorder with Associated Myeloid Malignancies; Familial Platelet Disorder with Propensity to Acute Myelogenous Leukemia; Familial thrombocytopenia with propensity to acute myelogenous leukemia; PLATELET DISORDER, ASPIRIN-LIKE. Identifiers: Orphanet 71290, MedGen C1832388, MeSH C563324, MONDO:0100083, OMIM 601399.
Hereditary thrombocytopenia and hematologic cancer predisposition syndrome. Identifiers: Orphanet 71290, MedGen CN281654, MONDO:0011071.

Submissions (2):

ClinGen Myeloid Malignancy Variant Curation Expert Panel
Classification: Pathogenic for Hereditary thrombocytopenia and hematologic cancer predisposition syndrome. Last evaluated: 2025-05-02. Review status: reviewed by expert panel. Criteria: ClinGen MyeloMalig ACMG Specifications v2. Collection method: curation. Allele origin: germline. Inheritance: Autosomal dominant inheritance.
Comment: NM_001754.5(RUNX1):c.524del (p.Leu175fs) is a frameshift variant which is predicted to undergo nonsense-mediated decay in a gene in which loss-of-function is an established mechanism (frameshift (–) c.98–c.758 as per VCEP specifications) (PVS1). This variant is completely absent from all population databases with at least 20x coverage for RUNX1 (PM2_Supporting). This variant is downstream of c.98 (PM5_Supporting). In summary, this variant meets criteria to be classified as pathogenic. ACMG/AMP criteria applied, as specified by the Myeloid Malignancy Variant Curation Expert Panel for RUNX1: PVS1, PM2_Supporting, PM5_Supporting.

Women's Health and Genetics/Laboratory Corporation of America, LabCorp
Classification: Pathogenic for Hereditary thrombocytopenia and hematological cancer predisposition syndrome associated with RUNX1. Last evaluated: 2024-12-31. Review status: criteria provided, single submitter. Criteria: LabCorp Variant Classification Summary - May 2015. Collection method: clinical testing. Allele origin: germline. Not counted in ClinVar's aggregate classification.
Comment: Variant summary: RUNX1 c.524delT (p.Leu175ArgfsX36) results in a premature termination codon, predicted to cause absence of the protein due to nonsense mediated decay, which is a commonly known mechanism for disease. The variant was absent in 251490 control chromosomes (gnomAD). To our knowledge, no occurrence of c.524delT in individuals affected with Hereditary Thrombocytopenia And Hematological Cancer Predisposition Syndrome Associated With RUNX1 and no experimental evidence demonstrating its impact on protein function have been reported. No submitters have cited clinical-significance assessments for this variant to ClinVar. Based on the evidence outlined above, the variant was classified as pathogenic.